The following is an entry in ClinVar:

ClinVar aggregate classification (germline): Uncertain significance (1 of 4 stars; one submission).

Submission:

GeneDx
Classification: Uncertain significance. Last evaluated: 2024-06-30. Review status: criteria provided, single submitter. Criteria: GeneDx Variant Classification Process June 2021. Collection method: clinical testing. Allele origin: germline. Affected: yes.
Comment: Not observed at significant frequency in large population cohorts (gnomAD); In silico analysis supports that this missense variant has a deleterious effect on protein structure/function; Has not been previously published as pathogenic or benign to our knowledge

NM_002430.3(MN1):c.560C>A (p.Pro187Gln)

Gene: MN1 (MN1 proto-oncogene, transcriptional regulator; minus strand). Cytogenetic location: 22q12.1.
Variant type: single nucleotide variant.
Coding change: c.560C>A on transcript NM_002430.3 (MANE Select); coding-DNA position 560, C replaced by A.
Protein change: p.Pro187Gln; replaces proline 187 with glutamine.
Molecular consequence: missense variant.
Genome position (GRCh38, 1-based): chr22:27,799,984, G>T on the plus strand (C>A on the coding strand, the complement: MN1 is on the minus strand). VCF-style: chr22-27799984-G-T. GRCh37 (hg19) VCF-style: chr22-28195972-G-T.
Other names: short protein forms P187Q.
Identifiers: ClinVar variation 3393658 (VCV003393658.1).